The following is an entry in ClinVar:

NM_001845.6(COL4A1):c.3742G>A (p.Gly1248Arg)

Gene: COL4A1 (collagen type IV alpha 1 chain; minus strand). Cytogenetic location: 13q34.
Variant type: single nucleotide variant.
Coding change: c.3742G>A on transcript NM_001845.6 (MANE Select); coding-DNA position 3742, G replaced by A.
Protein change: p.Gly1248Arg; replaces glycine 1248 with arginine.
Molecular consequence: missense variant.
Genome position (GRCh38, 1-based): chr13:110,170,547, C>T on the plus strand (G>A on the coding strand, the complement: COL4A1 is on the minus strand). VCF-style: chr13-110170547-C-T. GRCh37 (hg19) VCF-style: chr13-110822894-C-T.
Other names: short protein forms G1248R.
Identifiers: ClinVar variation 2446608 (VCV002446608.1), dbSNP rs2501761275, ClinGen allele CA388662204.

ClinVar aggregate classification (germline): Pathogenic (1 of 4 stars; one submission).

Submission:

GeneDx
Classification: Pathogenic. Last evaluated: 2023-03-09. Review status: criteria provided, single submitter. Criteria: GeneDx Variant Classification Process June 2021. Collection method: clinical testing. Allele origin: germline. Affected: yes.
Comment: Has not been previously published as pathogenic or benign to our knowledge; Not observed at significant frequency in large population cohorts (gnomAD); Affects a glycine residue in a Gly-X-Y motif in the triple helical region of the COL4A1 gene, where the majority of pathogenic missense variants occur, and is predicted to disrupt normal protein folding and function (HGMD; Weng et al., 2012; Yoneda et al., 2013); In silico analysis supports that this missense variant has a deleterious effect on protein structure/function; This variant is associated with the following publications: (PMID: 24077912, 22522439, 23225343)